The following is an entry in ClinVar:

NM_012210.4(TRIM32):c.1948T>C (p.Tyr650His)

Genes: ASTN2 (astrotactin 2; minus strand), TRIM32 (tripartite motif containing 32; plus strand). Cytogenetic location: 9q33.1.
Variant type: single nucleotide variant.
Coding change: c.1948T>C on transcript NM_012210.4 (MANE Select); coding-DNA position 1948, T replaced by C.
Protein change: p.Tyr650His; replaces tyrosine 650 with histidine.
Molecular consequence: missense variant. On other transcripts: intron variant (3).
Genome position (GRCh38, 1-based): chr9:116,699,690, T>C. VCF-style: chr9-116699690-T-C. GRCh37 (hg19) VCF-style: chr9-119461969-T-C.
Other names: c.1948T>C, p.Tyr650His (NM_001099679.2, NM_001379048.1, NM_001379049.1 and 1 more transcripts); c.2653+26081A>G (NM_014010.5); c.2794+26081A>G (NM_001365069.1); c.2806+26081A>G (NM_001365068.1); short protein forms Y650H.
Identifiers: ClinVar variation 953423 (VCV000953423.7), dbSNP rs1861077008, ClinGen allele CA374652790.

ClinVar aggregate classification (germline): Uncertain significance (1 of 4 stars; one submission).

Conditions:
Bardet-Biedl syndrome (BBS). Identifiers: Orphanet 110, MedGen C0752166, MONDO:0015229.

Submission:

Labcorp Genetics (formerly Invitae), Labcorp
Classification: Uncertain significance for Bardet-Biedl syndrome. Last evaluated: 2021-08-20. Review status: criteria provided, single submitter. Criteria: Invitae Variant Classification Sherloc (09022015). Collection method: clinical testing. Allele origin: germline.
Comment: This sequence change replaces tyrosine with histidine at codon 650 of the TRIM32 protein (p.Tyr650His). The tyrosine residue is highly conserved and there is a moderate physicochemical difference between tyrosine and histidine. This variant is not present in population databases (ExAC no frequency). This variant has not been reported in the literature in individuals affected with TRIM32-related conditions. Algorithms developed to predict the effect of missense changes on protein structure and function (SIFT, PolyPhen-2, Align-GVGD) all suggest that this variant is likely to be tolerated. In summary, the available evidence is currently insufficient to determine the role of this variant in disease. Therefore, it has been classified as a Variant of Uncertain Significance.